The following is an entry in ClinVar:

NM_000170.3(GLDC):c.1885A>G (p.Ile629Val)

Gene: GLDC (glycine decarboxylase; minus strand). Cytogenetic location: 9p24.1.
Variant type: single nucleotide variant.
Coding change: c.1885A>G on transcript NM_000170.3 (MANE Select); coding-DNA position 1885, A replaced by G.
Protein change: p.Ile629Val; replaces isoleucine 629 with valine.
Molecular consequence: missense variant.
Genome position (GRCh38, 1-based): chr9:6,565,395, T>C on the plus strand (A>G on the coding strand, the complement: GLDC is on the minus strand). VCF-style: chr9-6565395-T-C. GRCh37 (hg19) VCF-style: chr9-6565395-T-C.
Other names: short protein forms I629V.
Identifiers: ClinVar variation 1349869 (VCV001349869.3), dbSNP rs761680597, ClinGen allele CA4980492.

ClinVar aggregate classification (germline): Uncertain significance (1 of 4 stars; one submission).

Conditions:
Glycine encephalopathy. Also called: Non-ketotic hyperglycinemia; Nonketotic hyperglycinemia. Identifiers: Orphanet 407, MedGen C0751748, MONDO:0011612, HP:0008288.

Allele frequency attached by ClinVar (database versions not stated): TOPMed below 0.00001; gnomAD 0.00001; ExAC 0.00002.
gnomAD v4.1: 11 of 1,613,876 alleles (0.00068%); highest among the groups gnomAD compares: Admixed American, 0.013%; no homozygotes.

Submission:

Labcorp Genetics (formerly Invitae), Labcorp
Classification: Uncertain significance for Glycine encephalopathy. Last evaluated: 2021-10-20. Review status: criteria provided, single submitter. Criteria: Invitae Variant Classification Sherloc (09022015). Collection method: clinical testing. Allele origin: germline.
Comment: This sequence change replaces isoleucine with valine at codon 629 of the GLDC protein (p.Ile629Val). The isoleucine residue is highly conserved and there is a small physicochemical difference between isoleucine and valine. This variant is present in population databases (rs761680597, ExAC 0.02%). This variant has not been reported in the literature in individuals with GLDC-related conditions. Algorithms developed to predict the effect of missense changes on protein structure and function are either unavailable or do not agree on the potential impact of this missense change (SIFT: "Deleterious"; PolyPhen-2: "Probably Damaging"; Align-GVGD: "Class C0"). In summary, the available evidence is currently insufficient to determine the role of this variant in disease. Therefore, it has been classified as a Variant of Uncertain Significance.